The following is an entry in ClinVar:

NM_006390.4(IPO8):c.482+6T>C

Gene: IPO8 (importin 8; minus strand). Cytogenetic location: 12p11.21.
Variant type: single nucleotide variant.
Coding change: c.482+6T>C on transcript NM_006390.4 (MANE Select); 6 bases into the intron after coding-DNA position 482, T replaced by C.
Molecular consequence: intron variant.
Genome position (GRCh38, 1-based): chr12:30,681,653, A>G on the plus strand (T>C on the coding strand, the complement: IPO8 is on the minus strand). VCF-style: chr12-30681653-A-G. GRCh37 (hg19) VCF-style: chr12-30834587-A-G.
Identifiers: ClinVar variation 4882723 (VCV004882723.2).

ClinVar aggregate classification (germline): Uncertain significance (1 of 4 stars; one submission).

Submission:

Dasa
Classification: Uncertain significance. Last evaluated: 2026-04-04. Review status: criteria provided, single submitter. Criteria: DASA Assertion Criteria. Collection method: clinical testing. Allele origin: germline.
Comment: NM_006390.4(IPO8):c.482+6T>C is a splice-region variant predicted to affect normal RNA splicing. This variant has been observed in affected individuals with IPO8-related disorders. Functional evidence supports an impact on the gene or gene product. Also, this variant is rare in population databases. Computational prediction algorithms are consistent with a deleterious effect. The currently available literature and clinical evidence are not sufficient to establish a definitive association between this variant and the reported condition. Therefore, this variant is classified as a variant of uncertain significance.